The following is an entry in ClinVar:

NM_024577.4(SH3TC2):c.2231T>C (p.Leu744Pro)

Gene: SH3TC2 (SH3 domain and tetratricopeptide repeats 2; minus strand). Cytogenetic location: 5q32.
Variant type: single nucleotide variant.
Coding change: c.2231T>C on transcript NM_024577.4 (MANE Select); coding-DNA position 2231, T replaced by C.
Protein change: p.Leu744Pro; replaces leucine 744 with proline.
Molecular consequence: missense variant.
Genome position (GRCh38, 1-based): chr5:149,027,501, A>G on the plus strand (T>C on the coding strand, the complement: SH3TC2 is on the minus strand). VCF-style: chr5-149027501-A-G. GRCh37 (hg19) VCF-style: chr5-148407064-A-G.
Other names: short protein forms L744P.
Identifiers: ClinVar variation 3696738 (VCV003696738.2).

ClinVar aggregate classification (germline): Uncertain significance (1 of 4 stars; one submission).

Conditions:
Charcot-Marie-Tooth disease type 4. Also called: Charcot-Marie-Tooth, Type 4; Charcot-Marie-Tooth disease, type IV. Identifiers: Orphanet 64749, MedGen C4082197, MONDO:0018995.

Submission:

Labcorp Genetics (formerly Invitae), Labcorp
Classification: Uncertain significance for Charcot-Marie-Tooth disease type 4. Last evaluated: 2024-08-12. Review status: criteria provided, single submitter. Criteria: Invitae Variant Classification Sherloc (09022015). Collection method: clinical testing. Allele origin: germline.
Comment: This sequence change replaces leucine, which is neutral and non-polar, with proline, which is neutral and non-polar, at codon 744 of the SH3TC2 protein (p.Leu744Pro). This variant is not present in population databases (gnomAD no frequency). This variant has not been reported in the literature in individuals affected with SH3TC2-related conditions. Advanced modeling of protein sequence and biophysical properties (such as structural, functional, and spatial information, amino acid conservation, physicochemical variation, residue mobility, and thermodynamic stability) has been performed at Invitae for this missense variant, however the output from this modeling did not meet the statistical confidence thresholds required to predict the impact of this variant on SH3TC2 protein function. In summary, the available evidence is currently insufficient to determine the role of this variant in disease. Therefore, it has been classified as a Variant of Uncertain Significance.